The following is an entry in ClinVar:

NM_198576.4(AGRN):c.5293G>A (p.Val1765Ile)

Gene: AGRN (agrin; plus strand). Cytogenetic location: 1p36.33.
Variant type: single nucleotide variant.
Coding change: c.5293G>A on transcript NM_198576.4 (MANE Select); coding-DNA position 5293, G replaced by A.
Protein change: p.Val1765Ile; replaces valine 1765 with isoleucine.
Molecular consequence: missense variant.
Genome position (GRCh38, 1-based): chr1:1,051,292, G>A. VCF-style: chr1-1051292-G-A. GRCh37 (hg19) VCF-style: chr1-986672-G-A.
Other names: c.5305G>A, p.Val1769Ile (NM_001305275.2); c.4990G>A, p.Val1664Ile (NM_001364727.2); short protein forms V1664I, V1765I, V1769I.
Identifiers: ClinVar variation 1366461 (VCV001366461.8), dbSNP rs369850742, ClinGen allele CA16702313.

ClinVar aggregate classification (germline): Uncertain significance. Review status: criteria provided, multiple submitters, no conflicts (2 of 4 stars). 2 submissions from 2 submitters: Uncertain significance (2). Last evaluated 2022-09-02.

Conditions:
Congenital myasthenic syndrome 8. Also called: MYASTHENIC SYNDROME, CONGENITAL, DUE TO AGRIN DEFICIENCY; Myasthenic syndrome, congenital, 8, with pre- and postsynaptic defects. Identifiers: Orphanet 590, MedGen C3808739, MONDO:0014052, OMIM 615120.

Allele frequency attached by ClinVar (database versions not stated): gnomAD 0.00001.

Submissions (2):

Revvity Omics, Revvity
Classification: Uncertain significance for Congenital myasthenic syndrome 8. Last evaluated: 2022-09-02. Review status: criteria provided, single submitter. Criteria: ACMG Guidelines, 2015. Collection method: clinical testing. Allele origin: germline.

Labcorp Genetics (formerly Invitae), Labcorp
Classification: Uncertain significance for Congenital myasthenic syndrome 8. Last evaluated: 2022-05-27. Review status: criteria provided, single submitter. Criteria: Invitae Variant Classification Sherloc (09022015). Collection method: clinical testing. Allele origin: germline.
Comment: This sequence change replaces valine, which is neutral and non-polar, with isoleucine, which is neutral and non-polar, at codon 1765 of the AGRN protein (p.Val1765Ile). The frequency data for this variant in the population databases is considered unreliable, as metrics indicate poor data quality at this position in the gnomAD database. This variant has not been reported in the literature in individuals affected with AGRN-related conditions. Algorithms developed to predict the effect of missense changes on protein structure and function output the following: SIFT: "Tolerated"; PolyPhen-2: "Benign"; Align-GVGD: "Class C0". The isoleucine amino acid residue is found in multiple mammalian species, which suggests that this missense change does not adversely affect protein function. In summary, the available evidence is currently insufficient to determine the role of this variant in disease. Therefore, it has been classified as a Variant of Uncertain Significance.